The following is an entry in ClinVar:

NM_001197104.2(KMT2A):c.10746A>T (p.Ser3582=)

Gene: KMT2A (lysine methyltransferase 2A; plus strand). Cytogenetic location: 11q23.3.
Variant type: single nucleotide variant.
Coding change: c.10746A>T on transcript NM_001197104.2 (MANE Select); coding-DNA position 10746, A replaced by T.
Protein change: p.Ser3582=; no amino-acid change (serine 3582 retained).
Molecular consequence: synonymous variant.
Genome position (GRCh38, 1-based): chr11:118,506,638, A>T. VCF-style: chr11-118506638-A-T. GRCh37 (hg19) VCF-style: chr11-118377353-A-T.
Other names: c.10737A>T, p.Ser3579= (NM_005933.4).
Identifiers: ClinVar variation 729722 (VCV000729722.42), dbSNP rs9332844, ClinGen allele CA6304803.
Genomic context (GRCh38, chr11:118,506,638, plus strand): 5'-TTTGCGGACCAGTTCTTCTGAAGCACACATTCCAGACCAAGAAACGACATCCCTGACCTC[A>T]GGCACAGGGTGAGAGATCCAAATACTAGCTAGGCTGGGTCTGTGGGATTTCATGTTGTAA-3'
Protein context (NP_001184033.1, residues 3572-3592): IPDQETTSLT[Ser3582=]GTGTPGAEAE

ClinVar aggregate classification (germline): Benign/Likely benign. Review status: criteria provided, multiple submitters, no conflicts (2 of 4 stars). 5 submissions from 5 submitters: Benign (3); Likely benign (1). 1 of the submissions does not count toward it. Last evaluated 2026-07-01.

Conditions:
KMT2A-related disorder. Also called: KMT2A-related condition.

Allele frequency attached by ClinVar (database versions not stated): gnomAD exomes 0.00067 and 0.00044; ExAC 0.00074; 1000 Genomes Project 30x 0.00125; 1000 Genomes Project 0.00140; gnomAD 0.00016 and 0.00030; TOPMed 0.00034.
gnomAD v4.1: 698 of 1,594,800 alleles (0.044%); highest among the groups gnomAD compares: East Asian, 1.2%; 6 homozygotes.

Submissions (5):

CeGaT Center for Human Genetics Tuebingen
Classification: Likely benign. Last evaluated: 2026-07-01. Review status: criteria provided, single submitter. Criteria: CeGaT Center For Human Genetics Tuebingen Variant Classification Criteria Version 2. Collection method: clinical testing. Allele origin: germline. Affected: yes. Observed: 4 variant alleles.
Comment: KMT2A: BP4, BP7, BS1

Labcorp Genetics (formerly Invitae), Labcorp
Classification: Benign. Last evaluated: 2025-12-11. Review status: criteria provided, single submitter. Criteria: Invitae Variant Classification Sherloc (09022015). Collection method: clinical testing. Allele origin: germline.

Blueprint Genetics
Classification: Benign. Last evaluated: 2024-11-18. Review status: criteria provided, single submitter. Criteria: ACMG Guidelines, 2015. Collection method: clinical testing. Allele origin: germline.

GeneDx
Classification: Benign. Last evaluated: 2020-01-22. Review status: criteria provided, single submitter. Criteria: GeneDx Variant Classification Process June 2021. Collection method: clinical testing. Allele origin: germline. Affected: yes.

PreventionGenetics, part of Exact Sciences
Classification: Benign for KMT2A-related condition. Last evaluated: 2019-04-01. Review status: no assertion criteria provided. Collection method: clinical testing. Allele origin: germline. Not counted in ClinVar's aggregate classification.
Comment: This variant is classified as benign based on ACMG/AMP sequence variant interpretation guidelines (Richards et al. 2015 PMID: 25741868, with internal and published modifications).